The following is an entry in ClinVar:

NM_001042545.2(LTBP4):c.607T>C (p.Leu203=)

Gene: LTBP4 (latent transforming growth factor beta binding protein 4; plus strand). Cytogenetic location: 19q13.2.
Variant type: single nucleotide variant.
Coding change: c.607T>C on transcript NM_001042545.2 (MANE Select); coding-DNA position 607, T replaced by C.
Protein change: p.Leu203=; no amino-acid change (leucine 203 retained).
Molecular consequence: synonymous variant.
Genome position (GRCh38, 1-based): chr19:40,605,569, T>C. VCF-style: chr19-40605569-T-C. GRCh37 (hg19) VCF-style: chr19-41111475-T-C.
Other names: c.808T>C, p.Leu270= (NM_001042544.1); c.697T>C, p.Leu233= (NM_003573.2).
Identifiers: ClinVar variation 509154 (VCV000509154.5), dbSNP rs754839219, ClinGen allele CA9448072.
Genomic context (GRCh38, chr19:40,605,569, plus strand): 5'-GAGGCGGTGGCGCGGGCGGAAGCGGCGGCGCGGGCGGAGGCGGCAGCGCCCTACACGGTG[T>C]TGGCACAGAGCGCGCCGCGGGAGGACGGCTACTCAGATGCCTCGGGCTTCGGTTACTGCT-3'
Protein context (NP_001036010.1, residues 193-213): RAEAAAPYTV[Leu203=]AQSAPREDGY

ClinVar aggregate classification (germline): Likely benign. Review status: criteria provided, multiple submitters, no conflicts (2 of 4 stars). 2 submissions from 2 submitters: Likely benign (2). Last evaluated 2026-01-15.

Allele frequency attached by ClinVar (database versions not stated): ExAC below 0.00001; gnomAD 0.00001; TOPMed 0.00001; gnomAD exomes 0.00002.
gnomAD v4.1: 25 of 1,605,622 alleles (0.0016%); highest among the groups gnomAD compares: Non-Finnish European, 0.002%; no homozygotes.

Submissions (2):

Labcorp Genetics (formerly Invitae), Labcorp
Classification: Likely benign. Last evaluated: 2026-01-15. Review status: criteria provided, single submitter. Criteria: Invitae Variant Classification Sherloc (09022015). Collection method: clinical testing. Allele origin: germline.

GeneDx
Classification: Likely benign. Last evaluated: 2017-11-07. Review status: criteria provided, single submitter. Criteria: GeneDx Variant Classification (06012015). Collection method: clinical testing. Allele origin: germline. Affected: yes.
Comment: This variant is considered likely benign or benign based on one or more of the following criteria: it is a conservative change, it occurs at a poorly conserved position in the protein, it is predicted to be benign by multiple in silico algorithms, and/or has population frequency not consistent with disease.